The following is an entry in ClinVar:

ClinVar aggregate classification (germline): Uncertain significance (1 of 4 stars; one submission).

Conditions:
Wilms tumor 1 (WT1). Also called: Wilms tumor, somatic. Identifiers: Orphanet 654, MedGen CN033288, MONDO:0008679, OMIM 194070.

Submission:

Labcorp Genetics (formerly Invitae), Labcorp
Classification: Uncertain significance for Wilms tumor 1. Last evaluated: 2022-11-20. Review status: criteria provided, single submitter. Criteria: Invitae Variant Classification Sherloc (09022015). Collection method: clinical testing. Allele origin: germline.
Comment: This sequence change replaces phenylalanine, which is neutral and non-polar, with isoleucine, which is neutral and non-polar, at codon 401 of the GPC3 protein (p.Phe401Ile). In summary, the available evidence is currently insufficient to determine the role of this variant in disease. Therefore, it has been classified as a Variant of Uncertain Significance. Advanced modeling of protein sequence and biophysical properties (such as structural, functional, and spatial information, amino acid conservation, physicochemical variation, residue mobility, and thermodynamic stability) performed at Invitae indicates that this missense variant is expected to disrupt GPC3 protein function. This variant has not been reported in the literature in individuals affected with GPC3-related conditions. This variant is not present in population databases (gnomAD no frequency).

NM_004484.4(GPC3):c.1201T>A (p.Phe401Ile)

Gene: GPC3 (glypican 3; minus strand). Cytogenetic location: Xq26.2.
Variant type: single nucleotide variant.
Coding change: c.1201T>A on transcript NM_004484.4 (MANE Select); coding-DNA position 1201, T replaced by A.
Protein change: p.Phe401Ile; replaces phenylalanine 401 with isoleucine.
Molecular consequence: missense variant.
Genome position (GRCh38, 1-based): chrX:133,692,460, A>T on the plus strand (T>A on the coding strand, the complement: GPC3 is on the minus strand). VCF-style: chrX-133692460-A-T. GRCh37 (hg19) VCF-style: chrX-132826488-A-T.
Other names: c.1270T>A, p.Phe424Ile (NM_001164617.2); c.1153T>A, p.Phe385Ile (NM_001164618.2); c.1039T>A, p.Phe347Ile (NM_001164619.2); short protein forms F424I, F385I, F401I, F347I.
Identifiers: ClinVar variation 2815521 (VCV002815521.3), dbSNP rs2521132461, ClinGen allele CA414705685.